The following is an entry in ClinVar:

ClinVar aggregate classification (germline): Conflicting classifications of pathogenicity. Review status: criteria provided, conflicting classifications (1 of 4 stars). 3 submissions from 3 submitters: Uncertain significance (2); Likely benign (1). Last evaluated 2024-10-31.

Conditions:
Primary ciliary dyskinesia. Also called: Ciliary dyskinesia. Identifiers: Orphanet 244, MedGen C0008780, MONDO:0016575, HP:0012265.
Primary ciliary dyskinesia 14. Also called: CILIARY DYSKINESIA, PRIMARY, 14, WITH OR WITHOUT SITUS INVERSUS. Identifiers: Orphanet 244, MedGen C3151136, MONDO:0013434, OMIM 613807.

Allele frequency attached by ClinVar (database versions not stated): gnomAD 0.00003 and 0.00004; TOPMed 0.00004; gnomAD exomes 0.00005; ExAC 0.00008; ESP Exome Variant Server 0.00008.
gnomAD v4.1: 93 of 1,611,806 alleles (0.0058%); highest among the groups gnomAD compares: Non-Finnish European, 0.0057%; no homozygotes.

Submissions (3):

Ambry Genetics
Classification: Likely benign for Primary ciliary dyskinesia. Last evaluated: 2024-10-31. Review status: criteria provided, single submitter. Criteria: Ambry Variant Classification Scheme 2023. Collection method: clinical testing. Allele origin: germline.

Labcorp Genetics (formerly Invitae), Labcorp
Classification: Uncertain significance for Primary ciliary dyskinesia. Last evaluated: 2022-09-07. Review status: criteria provided, single submitter. Criteria: Invitae Variant Classification Sherloc (09022015). Collection method: clinical testing. Allele origin: germline.
Comment: This sequence change replaces arginine, which is basic and polar, with histidine, which is basic and polar, at codon 46 of the CCDC39 protein (p.Arg46His). This variant is present in population databases (rs376716008, gnomAD 0.008%). This variant has not been reported in the literature in individuals affected with CCDC39-related conditions. ClinVar contains an entry for this variant (Variation ID: 569732). Algorithms developed to predict the effect of missense changes on protein structure and function output the following: SIFT: "Tolerated"; PolyPhen-2: "Benign"; Align-GVGD: "Class C0". The histidine amino acid residue is found in multiple mammalian species, which suggests that this missense change does not adversely affect protein function. Algorithms developed to predict the effect of sequence changes on RNA splicing suggest that this variant may disrupt the consensus splice site. In summary, the available evidence is currently insufficient to determine the role of this variant in disease. Therefore, it has been classified as a Variant of Uncertain Significance.

Fulgent Genetics
Classification: Uncertain significance for Primary ciliary dyskinesia 14. Last evaluated: 2021-12-03. Review status: criteria provided, single submitter. Criteria: ACMG Guidelines, 2015. Collection method: clinical testing. Allele origin: unknown.

NM_181426.2(CCDC39):c.137G>A (p.Arg46His)

Gene: CCDC39 (coiled-coil domain 39 molecular ruler complex subunit; minus strand). Cytogenetic location: 3q26.33.
Variant type: single nucleotide variant.
Coding change: c.137G>A on transcript NM_181426.2 (MANE Select); coding-DNA position 137, G replaced by A.
Protein change: p.Arg46His; replaces arginine 46 with histidine.
Molecular consequence: missense variant.
Genome position (GRCh38, 1-based): chr3:180,663,940, C>T on the plus strand (G>A on the coding strand, the complement: CCDC39 is on the minus strand). VCF-style: chr3-180663940-C-T. GRCh37 (hg19) VCF-style: chr3-180381728-C-T.
Other names: short protein forms R46H.
Identifiers: ClinVar variation 569732 (VCV000569732.10), dbSNP rs376716008, ClinGen allele CA2716239.
Genomic context (GRCh38, chr3:180,663,940, plus strand): 5'-AGCTCTTGCTTAACATTTTTGAAGTGAGAAGTCATAGAATTAATTCGCTCTTCATACTCA[C>T]GTAACTCATCTTGCAAGCTTGCTCTTTCATCCTTCAGCTTTGACAACTGTAAATAATAAA-3'
Protein context (NP_852091.1, residues 36-56): DERASLQDEL[Arg46His]EYEERINSMT